The following is an entry in ClinVar:

ClinVar aggregate classification (germline): Likely benign. Review status: criteria provided, multiple submitters, no conflicts (2 of 4 stars). 2 submissions from 2 submitters: Likely benign (2). Last evaluated 2026-08-30.

Conditions:
PLEC-related disorder. Also called: PLEC-related disorders; PLEC-related condition.
Epidermolysis bullosa simplex 5C, with pyloric atresia (EBS5C). Also called: PLEC-Related Epidermolysis Bullosa with Pyloric Atresia; Epidermolysis bullosa simplex with pyloric atresia; PLEC1-Related Epidermolysis Bullosa with Pyloric Atresia. Identifiers: Orphanet 158684, MedGen C2677349, MONDO:0012807, OMIM 612138.
Epidermolysis bullosa simplex with nail dystrophy (EBS5D). Identifiers: MedGen C4225309, MONDO:0014661, OMIM 616487.
Autosomal recessive limb-girdle muscular dystrophy type 2Q (LGMDR17). Also called: MUSCULAR DYSTROPHY, LIMB-GIRDLE, AUTOSOMAL RECESSIVE 17. Identifiers: Orphanet 254361, MedGen C3150989, MONDO:0013390, OMIM 613723.
Epidermolysis bullosa simplex 5B, with muscular dystrophy (EBS5B). Also called: EPIDERMOLYSIS BULLOSA SIMPLEX AND LIMB-GIRDLE MUSCULAR DYSTROPHY; Epidermolysis bullosa simplex with muscular dystrophy. Identifiers: Orphanet 257, MedGen C2931072, MONDO:0009181, OMIM 226670.
Epidermolysis bullosa simplex, Ogna type (EBS5A). Also called: Pidermolysis bullosa simplex 5A, Ogna type; EPIDERMOLYSIS BULLOSA SIMPLEX 5A, OGNA TYPE. Identifiers: Orphanet 79401, MedGen C0432317, MONDO:0007555, OMIM 131950.

Allele frequency attached by ClinVar (database versions not stated): ESP Exome Variant Server 0.00008; TOPMed 0.00009; gnomAD 0.00011 and 0.00012; 1000 Genomes Project 0.00020; 1000 Genomes Project 30x 0.00031.
gnomAD v4.1: 28 of 1,602,934 alleles (0.0017%); highest among the groups gnomAD compares: African/African-American, 0.032%; no homozygotes.

Submissions (2):

PreventionGenetics, part of Exact Sciences
Classification: Likely benign for PLEC-related condition. Last evaluated: 2026-08-30. Review status: criteria provided, single submitter. Criteria: ACMG Guidelines, 2015. Collection method: clinical testing. Allele origin: germline.
Comment: This variant is classified as likely benign based on ACMG/AMP sequence variant interpretation guidelines (Richards et al. 2015 PMID: 25741868, with internal and published modifications).

Labcorp Genetics (formerly Invitae), Labcorp
Classification: Likely benign for Autosomal recessive limb-girdle muscular dystrophy type 2Q; Epidermolysis bullosa simplex, Ogna type; Epidermolysis bullosa simplex with nail dystrophy; Epidermolysis bullosa simplex 5C, with pyloric atresia; Epidermolysis bullosa simplex 5B, with muscular dystrophy. Last evaluated: 2024-10-21. Review status: criteria provided, single submitter. Criteria: Invitae Variant Classification Sherloc (09022015). Collection method: clinical testing. Allele origin: germline.

NM_201384.3(PLEC):c.2484C>T (p.Cys828=)

Gene: PLEC (plectin; minus strand). Cytogenetic location: 8q24.3.
Variant type: single nucleotide variant.
Coding change: c.2484C>T on transcript NM_201384.3 (MANE Select); coding-DNA position 2484, C replaced by T.
Protein change: p.Cys828=; no amino-acid change (cysteine 828 retained).
Molecular consequence: synonymous variant.
Genome position (GRCh38, 1-based): chr8:143,930,272, G>A on the plus strand (C>T on the coding strand, the complement: PLEC is on the minus strand). VCF-style: chr8-143930272-G-A. GRCh37 (hg19) VCF-style: chr8-145004440-G-A.
Other names: c.2565C>T (NM_000445.4); c.2565C>T, p.Cys855= (NM_000445.5); c.2442C>T, p.Cys814= (NM_201378.4); c.2418C>T, p.Cys806= (NM_201379.3); c.2895C>T, p.Cys965= (NM_201380.4); c.2388C>T, p.Cys796= (NM_201381.3); c.2484C>T, p.Cys828= (NM_201382.4); c.2496C>T, p.Cys832= (NM_201383.3).
Identifiers: ClinVar variation 1083462 (VCV001083462.8), dbSNP rs367851580, ClinGen allele CA4927499.
Genomic context (GRCh38, chr8:143,930,272, plus strand): 5'-CTCGCTGCCGGAGCTGCTGAGCACCTTCCAGTGGGACGGCTGTGCAGGGCCCACCAGCTG[G>A]CACTCGTCACCCTTGTGCACAGTCACCTGGGACGGGCAGAGTCGGTGAGGACATGGCCAC-3'
Protein context (NP_958786.1, residues 818-838): VEVTVHKGDE[Cys828=]QLVGPAQPSH